The following is an entry in ClinVar:

NM_003742.4(ABCB11):c.76+1G>A

Gene: ABCB11 (ATP binding cassette subfamily B member 11; minus strand). Cytogenetic location: 2q31.1.
Variant type: single nucleotide variant.
Coding change: c.76+1G>A on transcript NM_003742.4 (MANE Select); the canonical splice donor site of the intron after coding-DNA position 76, G replaced by A.
Molecular consequence: splice donor variant.
Genome position (GRCh38, 1-based): chr2:169,018,049, C>T on the plus strand (G>A on the coding strand, the complement: ABCB11 is on the minus strand). VCF-style: chr2-169018049-C-T. GRCh37 (hg19) VCF-style: chr2-169874559-C-T.
Other names: c.76+1G>A (NM_003742.2).
Identifiers: ClinVar variation 1511470 (VCV001511470.10), dbSNP rs1413569310, ClinGen allele CA349107252.

ClinVar aggregate classification (germline): Conflicting classifications of pathogenicity. Review status: criteria provided, conflicting classifications (1 of 4 stars). 5 submissions from 5 submitters: Likely pathogenic (3); Uncertain significance (1). 1 of the submissions does not count toward it. Last evaluated 2025-12-02.

Conditions:
ABCB11-related disorder. Also called: ABCB11-related condition.
Progressive familial intrahepatic cholestasis type 2. Identifiers: Orphanet 79304, MedGen C3489789, MONDO:0011156, OMIM 601847.
Benign recurrent intrahepatic cholestasis type 2 (BRIC2). Also called: Recurrent familial intrahepatic cholestasis 2. Identifiers: Orphanet 65682, Orphanet 99961, MedGen C2608083, MONDO:0011559, OMIM 605479.

Allele frequency attached by ClinVar (database versions not stated): TOPMed below 0.00001; gnomAD exomes 0.00001 and 0.00002.

Submissions (5):

Natera, Inc.
Classification: Likely pathogenic for Progressive familial intrahepatic cholestasis type 2. Last evaluated: 2025-12-02. Review status: criteria provided, single submitter. Criteria: Natera Variant Classification Schema (03/2026). Collection method: clinical testing. Allele origin: germline.
Comment: The c.76+1G>A variant in ABCB11 is a canonical splice donor site variant predicted to affect pre-mRNA splicing, which may result in an abnormal transcript and altered protein product. This variant is expected to result in nonsense mediated decay, truncation, or a dysfunctional protein product. This variant is rare in the general population with a frequency below the threshold expected for the associated phenotype(s). Given the available evidence, this variant is classified as Likely Pathogenic.

Broad Center for Mendelian Genomics, Broad Institute of MIT and Harvard
Classification: Uncertain significance for Progressive familial intrahepatic cholestasis type 2. Last evaluated: 2025-02-04. Review status: criteria provided, single submitter. Criteria: ACMG Guidelines, 2015. Collection method: curation. Allele origin: germline. Inheritance: Autosomal recessive inheritance.
Comment: The c.76+1G>A variant in ABCB11 has not been previously reported in the literature in individuals with BSEP deficiency, but has been identified in 0.008% (5/59956) of Latino/Admixed American chromosomes by the Genome Aggregation Database (gnomAD; dbSNP rs1413569310. Although this variant has been seen in the general population in a heterozygous state, its frequency is low enough to be consistent with a recessive carrier frequency. This variant has also been reported in ClinVar (Variation ID: 1511470) and has been interpreted as likely pathogenic by Invitae. This variant is located in the 3' splice region. There is an in-frame cryptic splice site 42 bases from the intron-exon boundary, providing evidence that this variant may delete 14 amino acids instead of causing loss of function. However, this information is not predictive enough to determine pathogenicity. Loss of function of the ABCB11 gene is an established disease mechanism in autosomal recessive BSEP deficiency. In summary, while there is some suspicion for a pathogenic role, the clinical significance of this variant is uncertain. ACMG/AMP Criteria applied: PVS1_strong, PM2_supporting (Richards 2015).

Labcorp Genetics (formerly Invitae), Labcorp
Classification: Likely pathogenic. Last evaluated: 2023-01-28. Review status: criteria provided, single submitter. Criteria: Invitae Variant Classification Sherloc (09022015). Collection method: clinical testing. Allele origin: germline.
Comment: This sequence change affects a donor splice site in intron 2 of the ABCB11 gene. It is expected to disrupt RNA splicing. Variants that disrupt the donor or acceptor splice site typically lead to a loss of protein function (PMID: 16199547), and loss-of-function variants in ABCB11 are known to be pathogenic (PMID: 18395098, 20232290). The frequency data for this variant in the population databases is considered unreliable, as metrics indicate poor data quality at this position in the gnomAD database. This variant has not been reported in the literature in individuals affected with ABCB11-related conditions. ClinVar contains an entry for this variant (Variation ID: 1511470). Algorithms developed to predict the effect of sequence changes on RNA splicing suggest that this variant may disrupt the consensus splice site. In summary, the currently available evidence indicates that the variant is pathogenic, but additional data are needed to prove that conclusively. Therefore, this variant has been classified as Likely Pathogenic.

Baylor Genetics
Classification: Likely pathogenic for Benign recurrent intrahepatic cholestasis type 2. Last evaluated: 2022-12-16. Review status: criteria provided, single submitter. Criteria: ACMG Guidelines, 2015. Collection method: clinical testing. Allele origin: unknown.

PreventionGenetics, part of Exact Sciences
Classification: Likely pathogenic for ABCB11-related condition. Last evaluated: 2024-07-12. Review status: no assertion criteria provided. Collection method: clinical testing. Allele origin: germline. Not counted in ClinVar's aggregate classification.
Comment: The ABCB11 c.76+1G>A variant is predicted to disrupt the GT donor site and interfere with normal splicing. To our knowledge, this variant has not been previously reported in the literature in association with disease. This variant is reported in 0.017% of alleles in individuals of Latino descent in gnomAD. Variants that disrupt the consensus splice donor site in ABCB11 are expected to be pathogenic. This variant is interpreted as likely pathogenic.

Literature cited by the submitters: PubMed 16199547 (cited by Labcorp Genetics (formerly Invitae), Labcorp); PubMed 18395098 (cited by Labcorp Genetics (formerly Invitae), Labcorp); PubMed 20232290 (cited by Labcorp Genetics (formerly Invitae), Labcorp).